The following is an entry in ClinVar:

NM_001114086.2(CLIC5):c.361G>A (p.Ala121Thr)

Gene: CLIC5 (CLIC family member 5; minus strand). Cytogenetic location: 6p21.1.
Variant type: single nucleotide variant.
Coding change: c.361G>A on transcript NM_001114086.2; coding-DNA position 361, G replaced by A.
Protein change: p.Ala121Thr; replaces alanine 121 with threonine.
Molecular consequence: missense variant. On other transcripts: intron variant (1).
Genome position (GRCh38, 1-based): chr6:46,079,882, C>T on the plus strand (G>A on the coding strand, the complement: CLIC5 is on the minus strand). VCF-style: chr6-46079882-C-T. GRCh37 (hg19) VCF-style: chr6-46047619-C-T.
Other names: c.361G>A, p.Ala121Thr (NM_001370650.1); c.-55+49622G>A (NM_001370649.1); short protein forms A121T.
Identifiers: ClinVar variation 499478 (VCV000499478.41), dbSNP rs189893797, ClinGen allele CA3836980.
Genomic context (GRCh38, chr6:46,079,882, plus strand): 5'-AGCTTGAAGGAGAAGGCAGATCTTCCTTCATCACACTCCCATTCTCCTGGAGTTCTGCTG[C>T]GCAGAGTTGCTGGTCCTGGGTTGATGAATATAACCCTTCCATTGAGATGCCCCTGTCCTC-3'

ClinVar aggregate classification (germline): Conflicting classifications of pathogenicity. Review status: criteria provided, conflicting classifications (1 of 4 stars). 7 submissions from 7 submitters: Uncertain significance (1); Likely benign (6). Last evaluated 2026-01-18.

Conditions:
CLIC5-related disorder. Also called: CLIC5-related condition.

Allele frequency attached by ClinVar (database versions not stated): gnomAD exomes 0.00045; gnomAD 0.00122 and 0.00123; TOPMed 0.00148; 1000 Genomes Project 0.00220; ExAC 0.00075; ESP Exome Variant Server 0.00110; 1000 Genomes Project 30x 0.00250.
gnomAD v4.1: 489 of 1,552,066 alleles (0.032%); highest among the groups gnomAD compares: African/African-American, 0.35%; 1 homozygote.

Submissions (7):

Labcorp Genetics (formerly Invitae), Labcorp
Classification: Likely benign. Last evaluated: 2026-01-18. Review status: criteria provided, single submitter. Criteria: Invitae Variant Classification Sherloc (09022015). Collection method: clinical testing. Allele origin: germline.

PreventionGenetics, part of Exact Sciences
Classification: Likely benign for CLIC5-related condition. Last evaluated: 2025-03-17. Review status: criteria provided, single submitter. Criteria: ACMG Guidelines, 2015. Collection method: clinical testing. Allele origin: germline.
Comment: This variant is classified as likely benign based on ACMG/AMP sequence variant interpretation guidelines (Richards et al. 2015 PMID: 25741868, with internal and published modifications).

Blueprint Genetics
Classification: Likely benign. Last evaluated: 2024-11-07. Review status: criteria provided, single submitter. Criteria: ACMG Guidelines, 2015. Collection method: clinical testing. Allele origin: germline.

CeGaT Center for Human Genetics Tuebingen
Classification: Likely benign. Last evaluated: 2024-03-01. Review status: criteria provided, single submitter. Criteria: CeGaT Center For Human Genetics Tuebingen Variant Classification Criteria Version 2. Collection method: clinical testing. Allele origin: germline. Affected: yes. Observed: 1 variant allele.
Comment: CLIC5: BP4, BS1

GeneDx
Classification: Likely benign. Last evaluated: 2021-03-15. Review status: criteria provided, single submitter. Criteria: GeneDx Variant Classification Process June 2021. Collection method: clinical testing. Allele origin: germline. Affected: yes.

Laboratory for Molecular Medicine, Mass General Brigham Personalized Medicine
Classification: Likely benign. Last evaluated: 2018-10-29. Review status: criteria provided, single submitter. Criteria: LMM Criteria. Collection method: clinical testing. Allele origin: germline. Observed: 1 variant allele.
Comment: The p.Ala121Thr variant in CLIC5 is classified as likely benign because it has b een identified in 0.4% (73/16656) of African chromosomes by gnomAD. In addition, computational prediction tools and conservat ion analysis do not suggest an impact to the protein. ACMG/AMP Criteria applied: BS1, BP4.

Eurofins Ntd Llc (ga)
Classification: Uncertain significance. Last evaluated: 2017-01-19. Review status: criteria provided, single submitter. Criteria: EGL Classification Definitions 2015. Collection method: clinical testing. Allele origin: germline. Observed: 1 variant allele, 1 heterozygote.